The following is an entry in ClinVar:

ClinVar aggregate classification (germline): Uncertain significance (1 of 4 stars; one submission).

Allele frequency attached by ClinVar (database versions not stated): gnomAD exomes 0.00004; gnomAD 0.00006; TOPMed 0.00006; 1000 Genomes Project 30x 0.00016; 1000 Genomes Project 0.00020; ExAC 0.00021.

Submission:

Labcorp Genetics (formerly Invitae), Labcorp
Classification: Uncertain significance. Last evaluated: 2025-12-22. Review status: criteria provided, single submitter. Criteria: Invitae Variant Classification Sherloc (09022015). Collection method: clinical testing. Allele origin: germline.
Comment: This sequence change replaces proline, which is neutral and non-polar, with leucine, which is neutral and non-polar, at codon 75 of the TNFRSF6B protein (p.Pro75Leu). This variant is present in population databases (rs561972262, gnomAD 0.2%), and has an allele count higher than expected for a pathogenic variant. This variant has not been reported in the literature in individuals affected with TNFRSF6B-related conditions. ClinVar contains an entry for this variant (Variation ID: 2184753). An algorithm developed to predict the effect of missense changes on protein structure and function outputs the following: PolyPhen-2: "Benign". The leucine amino acid residue is found in multiple mammalian species, which suggests that this missense change does not adversely affect protein function. In summary, the available evidence is currently insufficient to determine the role of this variant in disease. Therefore, it has been classified as a Variant of Uncertain Significance.

NM_003823.4(TNFRSF6B):c.224C>T (p.Pro75Leu)

Genes: TNFRSF6B (TNF receptor superfamily member 6b; plus strand), RTEL1-TNFRSF6B (RTEL1-TNFRSF6B readthrough (NMD candidate); plus strand). Cytogenetic location: 20q13.33.
Variant type: single nucleotide variant.
Coding change: c.224C>T on transcript NM_003823.4 (MANE Select); coding-DNA position 224, C replaced by T.
Protein change: p.Pro75Leu; replaces proline 75 with leucine.
Molecular consequence: missense variant. On other transcripts: non-coding transcript variant (1).
Genome position (GRCh38, 1-based): chr20:63,696,991, C>T. VCF-style: chr20-63696991-C-T. GRCh37 (hg19) VCF-style: chr20-62328344-C-T.
Other names: short protein forms P75L.
Identifiers: ClinVar variation 2184753 (VCV002184753.4), dbSNP rs561972262, ClinGen allele CA9966372.
Genomic context (GRCh38, chr20:63,696,991, plus strand): 5'-GCACCTTTGTGCAGCGGCCGTGCCGCCGAGACAGCCCCACGACGTGTGGCCCGTGTCCAC[C>T]GCGCCACTACACGCAGTTCTGGAACTACCTAGAGCGCTGCCGCTACTGCAACGTCCTCTG-3'
Protein context (NP_003814.1, residues 65-85): DSPTTCGPCP[Pro75Leu]RHYTQFWNYL